The following is an entry in ClinVar:

NM_000458.4(HNF1B):c.786_787dup (p.Ala263fs)

Genes: HNF1B (HNF1 homeobox B; minus strand), LOC126862549 (BRD4-independent group 4 enhancer GRCh37_chr17:36093401-36094600; plus strand). Cytogenetic location: 17q12.
Variant type: Duplication.
Coding change: c.786_787dup on transcript NM_000458.4 (MANE Select); coding-DNA positions 786 to 787, 2 bases duplicated (GG; older notation c.786_787dupGG).
Protein change: p.Ala263fs; shifts the reading frame from alanine 263.
Molecular consequence: frameshift variant.
Genome position (GRCh38, 1-based): chr17:37,733,579-37,733,580, CC duplicated on the plus strand (GG on the coding strand, the reverse complement: HNF1B is on the minus strand). VCF-style (leftmost placement, unchanged base first): chr17-37733578-G-GCC. GRCh37 (hg19) VCF-style: chr17-36093571-G-GCC.
Other names: c.708_709dup, p.Ala237fs (NM_001165923.4, NM_001304286.2); short protein forms A263fs, A237fs.
Identifiers: ClinVar variation 635649 (VCV000635649.1), dbSNP rs2511808449, ClinGen allele CA913190778.
Genomic context (GRCh38, chr17:37,733,578, plus strand): 5'-ACTTGCCCACCTGCCCAGGTGAGCTTCTGGTGGTGTTACCTGTTGCATTCCTCCACTAAG[G>GCC]CCTCTCTCTCTTCCTTGCTGGGGTTCTTTTGCCGATCGTAGGCCTGGTACAAGATTTGCT-3'

ClinVar aggregate classification (germline): Pathogenic (1 of 4 stars; one submission).

Conditions:
Renal cysts and diabetes syndrome (RCAD). Also called: Familial hypoplastic, glomerulocystic kidney; MATURITY-ONSET DIABETES OF THE YOUNG, TYPE 5. Identifiers: Orphanet 93111, MedGen C0431693, MONDO:0007669, OMIM 137920.

Submission:

Institute of Human Genetics, FAU Erlangen, Friedrich-Alexander-Universität Erlangen-Nürnberg
Classification: Pathogenic for Renal cysts and diabetes syndrome. Last evaluated: 2019-07-06. Review status: criteria provided, single submitter. Criteria: ACMG Guidelines, 2015. Collection method: literature only. Allele origin: germline. Affected: yes.
Comment: This variant and it's classification has been reported by Vasileiou et al. 2019; DOI:10.1101/576918. The variants has previously been reported in PMID:25700310; PMID:9703339; PMID:25536396 as "c.787_788dupGG; A263fsinsGG; c.786_787dupGG" with clinical significance Pathogenic. It has been re-classified using InterVar and manual curation as Pathogenic based on PVS1 PM2 PP3.

Literature cited by the submitters: PubMed 25700310; PubMed 9703339; PubMed 25536396; DOI 10.1101/576918.